The following is an entry in ClinVar:

ClinVar aggregate classification (germline): Pathogenic (1 of 4 stars; one submission).

Conditions:
Autosomal recessive nonsyndromic hearing loss 2. Also called: NEUROSENSORY NONSYNDROMIC RECESSIVE DEAFNESS 2; DEAFNESS, AUTOSOMAL RECESSIVE 2. Identifiers: Orphanet 90636, MedGen C1838701, MONDO:0010807, OMIM 600060.

Submission:

Institute of Rare Diseases, West China Hospital, Sichuan University
Classification: Pathogenic for Autosomal recessive nonsyndromic hearing loss 2. Last evaluated: 2025-01-09. Review status: criteria provided, single submitter. Criteria: ClinGen HL ACMG Specifications v1. Collection method: research. Allele origin: germline. Affected: yes.
Comment: PVS1;PM3;PM2_Supporting

NM_000260.4(MYO7A):c.76del (p.Ala26fs)

Gene: MYO7A (myosin VIIA; plus strand). Cytogenetic location: 11q13.5.
Variant type: Deletion.
Coding change: c.76del on transcript NM_000260.4 (MANE Select); coding-DNA position 76, one base deleted (G; older notation c.76delG).
Protein change: p.Ala26fs; shifts the reading frame from alanine 26.
Molecular consequence: frameshift variant.
Genome position (GRCh38, 1-based): chr11:77,142,766, G deleted; the last of 4 consecutive G bases (chr11:77,142,763-77,142,766); deleting any one gives the same sequence. VCF-style (leftmost placement, unchanged base first): chr11-77142762-CG-C. GRCh37 (hg19) VCF-style: chr11-76853808-CG-C.
Other names: c.76del, p.Ala26fs (NM_001127180.2); c.43del, p.Ala15fs (NM_001369365.1); short protein forms A15fs, A26fs.
Identifiers: ClinVar variation 3601502 (VCV003601502.1).